The following is an entry in ClinVar:

ClinVar aggregate classification (germline): Uncertain significance (1 of 4 stars; one submission).

Conditions:
Inborn genetic diseases. Identifiers: MedGen C0950123, MeSH D030342.

Submission:

Ambry Genetics
Classification: Uncertain significance for Inborn genetic diseases. Last evaluated: 2024-11-18. Review status: criteria provided, single submitter. Criteria: Ambry Variant Classification Scheme 2023. Collection method: clinical testing. Allele origin: germline.
Comment: The p.A141D variant (also known as c.422C>A), located in coding exon 1 of the FANCM gene, results from a C to A substitution at nucleotide position 422. The alanine at codon 141 is replaced by aspartic acid, an amino acid with dissimilar properties. This amino acid position is conserved. In addition, the in silico prediction for this alteration is inconclusive. Based on the available evidence, the clinical significance of this variant remains unclear.

NM_020937.4(FANCM):c.422C>A (p.Ala141Asp)

Gene: FANCM (FA complementation group M; plus strand). Cytogenetic location: 14q21.2.
Variant type: single nucleotide variant.
Coding change: c.422C>A on transcript NM_020937.4 (MANE Select); coding-DNA position 422, C replaced by A.
Protein change: p.Ala141Asp; replaces alanine 141 with aspartic acid.
Molecular consequence: missense variant.
Genome position (GRCh38, 1-based): chr14:45,136,453, C>A. VCF-style: chr14-45136453-C-A. GRCh37 (hg19) VCF-style: chr14-45605656-C-A.
Other names: c.422C>A, p.Ala141Asp (NM_001308133.2, NM_001308134.2); short protein forms A141D.
Identifiers: ClinVar variation 3512896 (VCV003512896.1).
Genomic context (GRCh38, chr14:45,136,453, plus strand): 5'-CCGCCGTGGTCATGTACAATTTCTACCGCTGGTTCCCTTCAGGAAAGGTGGTCTTCATGG[C>A]CCCAACGAAACCCTTGGTGACACAGCAGATCGAGGCTTGCTACCAGGTGATGGGTATCCC-3'
Protein context (NP_065988.1, residues 131-151): WFPSGKVVFM[Ala141Asp]PTKPLVTQQI